The following is an entry in ClinVar:

NM_017934.7(PHIP):c.187C>T (p.Leu63=)

Genes: PHIP (PHIP subunit of CUL4-Ring ligase complex; minus strand), LOC129996744 (ATAC-STARR-seq lymphoblastoid silent region 17345; plus strand). Cytogenetic location: 6q14.1.
Variant type: single nucleotide variant.
Coding change: c.187C>T on transcript NM_017934.7 (MANE Select); coding-DNA position 187, C replaced by T.
Protein change: p.Leu63=; no amino-acid change (leucine 63 retained).
Molecular consequence: synonymous variant.
Genome position (GRCh38, 1-based): chr6:79,077,450, G>A on the plus strand (C>T on the coding strand, the complement: PHIP is on the minus strand). VCF-style: chr6-79077450-G-A. GRCh37 (hg19) VCF-style: chr6-79787167-G-A.
Identifiers: ClinVar variation 1331673 (VCV001331673.7), dbSNP rs1774230017, ClinGen allele CA451045392.

ClinVar aggregate classification (germline): Conflicting classifications of pathogenicity. Review status: criteria provided, conflicting classifications (1 of 4 stars). 2 submissions from 2 submitters: Uncertain significance (1); Likely benign (1). Last evaluated 2023-01-12.

Allele frequency attached by ClinVar (database versions not stated): gnomAD exomes below 0.00001; TOPMed below 0.00001.
gnomAD v4.1: 3 of 1,601,482 alleles (0.00019%); highest among the groups gnomAD compares: African/African-American, 0.0014%; no homozygotes.

Submissions (2):

Labcorp Genetics (formerly Invitae), Labcorp
Classification: Likely benign. Last evaluated: 2023-01-12. Review status: criteria provided, single submitter. Criteria: Invitae Variant Classification Sherloc (09022015). Collection method: clinical testing. Allele origin: germline.

Greenwood Genetic Center Diagnostic Laboratories, Greenwood Genetic Center
Classification: Uncertain significance. Last evaluated: 2021-02-01. Review status: criteria provided, single submitter. Criteria: ACMG Guidelines, 2015. Collection method: clinical testing. Allele origin: germline. Affected: yes.
Comment: PM2